The following is an entry in ClinVar:

ClinVar aggregate classification (germline): Pathogenic. Review status: criteria provided, multiple submitters, no conflicts (2 of 4 stars). 4 submissions from 4 submitters: Pathogenic (4). Last evaluated 2026-05-30.

Conditions:
Neurofibromatosis, type 1 (NF1). Also called: Peripheral type neurofibromatosis; VON RECKLINGHAUSEN DISEASE; NEUROFIBROMATOSIS, TYPE I, SOMATIC; Neurofibromatosis, type I. Identifiers: Orphanet 636, MedGen C0027831, MONDO:0018975, OMIM 162200. Disease mechanism: loss of function.
Tibial pseudarthrosis. Identifiers: MedGen C4024216, HP:0009736.

Submissions (4):

NHS Central & South Genomic Laboratory Hub
Classification: Pathogenic for Neurofibromatosis type 1. Last evaluated: 2026-05-30. Review status: criteria provided, single submitter. Criteria: ACMG Guidelines, 2015. Collection method: clinical testing. Allele origin: germline. Affected: yes.

Labcorp Genetics (formerly Invitae), Labcorp
Classification: Pathogenic for Neurofibromatosis, type 1. Last evaluated: 2024-02-29. Review status: criteria provided, single submitter. Criteria: Invitae Variant Classification Sherloc (09022015). Collection method: clinical testing. Allele origin: germline.
Comment: This sequence change creates a premature translational stop signal (p.Glu1238*) in the NF1 gene. It is expected to result in an absent or disrupted protein product. Loss-of-function variants in NF1 are known to be pathogenic (PMID: 10712197, 23913538). This variant is not present in population databases (gnomAD no frequency). This premature translational stop signal has been observed in individual(s) with neurofibromatosis type 1 (PMID: 31533797). ClinVar contains an entry for this variant (Variation ID: 404559). For these reasons, this variant has been classified as Pathogenic.

Genome-Nilou Lab
Classification: Pathogenic for Neurofibromatosis, type 1. Last evaluated: 2022-03-15. Review status: criteria provided, single submitter. Criteria: ACMG Guidelines, 2015. Collection method: clinical testing. Allele origin: germline. Affected: no.

The Laboratory of Genetics and Metabolism, Hunan Children’s Hospital
Classification: Pathogenic for Neurofibromatosis, type 1; Tibial pseudoarthrosis. Last evaluated: 2018-11-10. Review status: criteria provided, single submitter. Criteria: ACMG Guidelines, 2015. Collection method: research. Allele origin: maternal. Affected: yes. Observed: 1 variant allele.

Literature cited by the submitters: PubMed 10712197 (cited by Labcorp Genetics (formerly Invitae), Labcorp); PubMed 23913538 (cited by Labcorp Genetics (formerly Invitae), Labcorp); PubMed 31533797 (cited by Labcorp Genetics (formerly Invitae), Labcorp and The Laboratory of Genetics and Metabolism, Hunan Children’s Hospital).

NM_001042492.3(NF1):c.3712G>T (p.Glu1238Ter)

Gene: NF1 (neurofibromin 1; plus strand). Cytogenetic location: 17q11.2.
Variant type: single nucleotide variant.
Coding change: c.3712G>T on transcript NM_001042492.3 (MANE Select); coding-DNA position 3712, G replaced by T.
Protein change: p.Glu1238Ter; replaces glutamic acid 1238 with a stop codon.
Molecular consequence: nonsense.
Genome position (GRCh38, 1-based): chr17:31,235,614, G>T. VCF-style: chr17-31235614-G-T. GRCh37 (hg19) VCF-style: chr17-29562632-G-T.
Other names: c.3712G>T, p.Glu1238Ter (NM_000267.4); short protein forms E1238*.
Identifiers: ClinVar variation 404559 (VCV000404559.9), dbSNP rs1060500346, ClinGen allele CA16615636.